The following is an entry in ClinVar:

NM_001267550.2(TTN):c.23423T>C (p.Ile7808Thr)

Gene: TTN (titin; minus strand). Cytogenetic location: 2q31.2.
Variant type: single nucleotide variant.
Coding change: c.23423T>C on transcript NM_001267550.2 (MANE Select); coding-DNA position 23423, T replaced by C.
Protein change: p.Ile7808Thr; replaces isoleucine 7808 with threonine.
Molecular consequence: missense variant. On other transcripts: intron variant (3).
Genome position (GRCh38, 1-based): chr2:178,720,219, A>G on the plus strand (T>C on the coding strand, the complement: TTN is on the minus strand). VCF-style: chr2-178720219-A-G. GRCh37 (hg19) VCF-style: chr2-179584946-A-G.
Other names: c.22472T>C, p.Ile7491Thr (NM_001256850.1); c.19691T>C, p.Ile6564Thr (NM_133378.4); c.13282+17863T>C (NM_003319.4); c.13858+17863T>C (NM_133437.4); c.13657+17863T>C (NM_133432.3); short protein forms I7808T, I6564T, I7491T.
Identifiers: ClinVar variation 680389 (VCV000680389.1), dbSNP rs1401488041, ClinGen allele CA349512697.

ClinVar aggregate classification (germline): Likely benign (1 of 4 stars; one submission).

Allele frequency attached by ClinVar (database versions not stated): gnomAD exomes below 0.00001 and 0.00001; gnomAD 0.00001.
gnomAD v4.1: 9 of 1,613,494 alleles (0.00056%); highest among the groups gnomAD compares: South Asian, 0.0022%; no homozygotes.

Submission:

GeneDx
Classification: Likely benign. Last evaluated: 2018-03-20. Review status: criteria provided, single submitter. Criteria: GeneDx Variant Classification (06012015). Collection method: clinical testing. Allele origin: germline. Affected: yes.
Comment: This variant is considered likely benign or benign based on one or more of the following criteria: it is a conservative change, it occurs at a poorly conserved position in the protein, it is predicted to be benign by multiple in silico algorithms, and/or has population frequency not consistent with disease.